The following is an entry in ClinVar:

NM_201384.3(PLEC):c.5507C>T (p.Ala1836Val)

Gene: PLEC (plectin; minus strand). Cytogenetic location: 8q24.3.
Variant type: single nucleotide variant.
Coding change: c.5507C>T on transcript NM_201384.3 (MANE Select); coding-DNA position 5507, C replaced by T.
Protein change: p.Ala1836Val; replaces alanine 1836 with valine.
Molecular consequence: missense variant.
Genome position (GRCh38, 1-based): chr8:143,924,422, G>A on the plus strand (C>T on the coding strand, the complement: PLEC is on the minus strand). VCF-style: chr8-143924422-G-A. GRCh37 (hg19) VCF-style: chr8-144998590-G-A.
Other names: c.5588C>T, p.Ala1863Val (NM_000445.5); c.5465C>T, p.Ala1822Val (NM_201378.4); c.5441C>T, p.Ala1814Val (NM_201379.3); c.5918C>T, p.Ala1973Val (NM_201380.4); c.5411C>T, p.Ala1804Val (NM_201381.3); c.5507C>T, p.Ala1836Val (NM_201382.4); c.5519C>T, p.Ala1840Val (NM_201383.3); short protein forms A1814V, A1822V, A1836V, A1840V, A1863V, A1804V, A1973V.
Identifiers: ClinVar variation 471608 (VCV000471608.13), dbSNP rs782216341, ClinGen allele CA4926342.
Genomic context (GRCh38, chr8:143,924,422, plus strand): 5'-AGCGCGATCTCCGCCTCCGTCTTGAGCCGCGTGGCCTCGCCGATGGCGGCCAGCTTCTCC[G>A]CAAGCACCCGCTCCGCCTCGGCCCGCTGCCGCGCCGCGTCTTCCTCGGCCAGCTGCCGCT-3'
Protein context (NP_958786.1, residues 1826-1846): RQRAEAERVL[Ala1836Val]EKLAAIGEAT

ClinVar aggregate classification (germline): Conflicting classifications of pathogenicity. Review status: criteria provided, conflicting classifications (1 of 4 stars). 4 submissions from 4 submitters: Uncertain significance (3); Likely benign (1). Last evaluated 2025-12-19.

Conditions:
Epidermolysis bullosa simplex with nail dystrophy (EBS5D). Identifiers: MedGen C4225309, MONDO:0014661, OMIM 616487.
Epidermolysis bullosa simplex, Ogna type (EBS5A). Also called: Pidermolysis bullosa simplex 5A, Ogna type; EPIDERMOLYSIS BULLOSA SIMPLEX 5A, OGNA TYPE. Identifiers: Orphanet 79401, MedGen C0432317, MONDO:0007555, OMIM 131950.
Autosomal recessive limb-girdle muscular dystrophy type 2Q (LGMDR17). Also called: MUSCULAR DYSTROPHY, LIMB-GIRDLE, AUTOSOMAL RECESSIVE 17. Identifiers: Orphanet 254361, MedGen C3150989, MONDO:0013390, OMIM 613723.
Epidermolysis bullosa simplex 5C, with pyloric atresia (EBS5C). Also called: PLEC-Related Epidermolysis Bullosa with Pyloric Atresia; Epidermolysis bullosa simplex with pyloric atresia; PLEC1-Related Epidermolysis Bullosa with Pyloric Atresia. Identifiers: Orphanet 158684, MedGen C2677349, MONDO:0012807, OMIM 612138.
Epidermolysis bullosa simplex 5B, with muscular dystrophy (EBS5B). Also called: EPIDERMOLYSIS BULLOSA SIMPLEX AND LIMB-GIRDLE MUSCULAR DYSTROPHY; Epidermolysis bullosa simplex with muscular dystrophy. Identifiers: Orphanet 257, MedGen C2931072, MONDO:0009181, OMIM 226670.
Inborn genetic diseases. Identifiers: MedGen C0950123, MeSH D030342.

Allele frequency attached by ClinVar (database versions not stated): gnomAD 0.00006 and 0.00007; gnomAD exomes 0.00008; ExAC 0.00009; TOPMed 0.00010.
gnomAD v4.1: 70 of 1,589,434 alleles (0.0044%); highest among the groups gnomAD compares: Admixed American, 0.02%; no homozygotes.

Submissions (4):

Labcorp Genetics (formerly Invitae), Labcorp
Classification: Uncertain significance for Autosomal recessive limb-girdle muscular dystrophy type 2Q; Epidermolysis bullosa simplex, Ogna type; Epidermolysis bullosa simplex with nail dystrophy; Epidermolysis bullosa simplex 5C, with pyloric atresia; Epidermolysis bullosa simplex 5B, with muscular dystrophy. Last evaluated: 2025-12-19. Review status: criteria provided, single submitter. Criteria: Invitae Variant Classification Sherloc (09022015). Collection method: clinical testing. Allele origin: germline.
Comment: This sequence change replaces alanine, which is neutral and non-polar, with valine, which is neutral and non-polar, at codon 1863 of the PLEC protein (p.Ala1863Val). This variant is present in population databases (rs782216341, gnomAD 0.03%). This variant has not been reported in the literature in individuals affected with PLEC-related conditions. ClinVar contains an entry for this variant (Variation ID: 471608). Experimental studies and prediction algorithms are not available or were not evaluated, and the functional significance of this variant is currently unknown. In summary, the available evidence is currently insufficient to determine the role of this variant in disease. Therefore, it has been classified as a Variant of Uncertain Significance.

Ambry Genetics
Classification: Uncertain significance for Inborn genetic diseases. Last evaluated: 2024-04-06. Review status: criteria provided, single submitter. Criteria: Ambry Variant Classification Scheme 2023. Collection method: clinical testing. Allele origin: germline.

Revvity Omics, Revvity
Classification: Uncertain significance. Last evaluated: 2019-06-11. Review status: criteria provided, single submitter. Criteria: ACMG Guidelines, 2015. Collection method: clinical testing. Allele origin: germline.

GeneDx
Classification: Likely benign. Last evaluated: 2018-10-05. Review status: criteria provided, single submitter. Criteria: GeneDx Variant Classification Process June 2021. Collection method: clinical testing. Allele origin: germline. Affected: yes.